The following is an entry in ClinVar:

ClinVar aggregate classification (germline): Uncertain significance. Review status: criteria provided, multiple submitters, no conflicts (2 of 4 stars). 2 submissions from 2 submitters: Uncertain significance (2). Last evaluated 2022-11-28.

Conditions:
Inborn genetic diseases. Identifiers: MedGen C0950123, MeSH D030342.

gnomAD v4.1: 1 of 1,614,030 alleles (0.000062%); highest among the groups gnomAD compares: South Asian, 0.0011%; no homozygotes.

Submissions (2):

GeneDx
Classification: Uncertain significance. Last evaluated: 2022-11-28. Review status: criteria provided, single submitter. Criteria: GeneDx Variant Classification Process June 2021. Collection method: clinical testing. Allele origin: germline. Affected: yes.
Comment: Not observed at significant frequency in large population cohorts (gnomAD); In silico analysis supports that this missense variant has a deleterious effect on protein structure/function; Has not been previously published as pathogenic or benign to our knowledge

Ambry Genetics
Classification: Uncertain significance for Inborn genetic diseases. Last evaluated: 2021-07-08. Review status: criteria provided, single submitter. Criteria: Ambry Variant Classification Scheme 2023. Collection method: clinical testing. Allele origin: germline.

NM_001378964.1(CDON):c.2279G>T (p.Arg760Leu)

Gene: CDON (cell adhesion associated, oncogene regulated; minus strand). Cytogenetic location: 11q24.2.
Variant type: single nucleotide variant.
Coding change: c.2279G>T on transcript NM_001378964.1 (MANE Select); coding-DNA position 2279, G replaced by T.
Protein change: p.Arg760Leu; replaces arginine 760 with leucine.
Molecular consequence: missense variant.
Genome position (GRCh38, 1-based): chr11:125,997,290, C>A on the plus strand (G>T on the coding strand, the complement: CDON is on the minus strand). VCF-style: chr11-125997290-C-A. GRCh37 (hg19) VCF-style: chr11-125867185-C-A.
Other names: c.2279G>T, p.Arg760Leu (NM_001243597.3, NM_016952.6); short protein forms R760L.
Identifiers: ClinVar variation 2231661 (VCV002231661.3), dbSNP rs150587299, ClinGen allele CA6351790.